The following is an entry in ClinVar:

NM_080632.3(UPF3B):c.758T>C (p.Ile253Thr)

Gene: UPF3B (UPF3B regulator of nonsense mediated mRNA decay; minus strand). Cytogenetic location: Xq24.
Variant type: single nucleotide variant.
Coding change: c.758T>C on transcript NM_080632.3 (MANE Select); coding-DNA position 758, T replaced by C.
Protein change: p.Ile253Thr; replaces isoleucine 253 with threonine.
Molecular consequence: missense variant.
Genome position (GRCh38, 1-based): chrX:119,841,125, A>G on the plus strand (T>C on the coding strand, the complement: UPF3B is on the minus strand). VCF-style: chrX-119841125-A-G. GRCh37 (hg19) VCF-style: chrX-118975088-A-G.
Other names: c.758T>C, p.Ile253Thr (NM_023010.4); short protein forms I253T.
Identifiers: ClinVar variation 284394 (VCV000284394.57), dbSNP rs754982440, ClinGen allele CA10503271.

ClinVar aggregate classification (germline): Conflicting classifications of pathogenicity. Review status: criteria provided, conflicting classifications (1 of 4 stars). 6 submissions from 6 submitters: Uncertain significance (5); Likely benign (1). Last evaluated 2026-01-08.

Conditions:
Intellectual developmental disorder, X-linked, syndromic 14. Also called: Syndromic X-linked intellectual disability 14. Identifiers: Orphanet 776, MedGen C1970822, MONDO:0010398, OMIM 300676.
Microcephaly. Also called: Microcephaly (disease). Identifiers: MedGen C4551563, MONDO:0001149, HP:0000252.
Cataract. Also called: cataracts; Cataract (disease). Identifiers: MedGen C0086543, MeSH D002386, MONDO:0005129, HP:0000518.
Severe global developmental delay. Also called: Severe psychomotor retardation. Identifiers: MedGen C1837397, HP:0011344.

Allele frequency attached by ClinVar (database versions not stated): ExAC 0.00001; TOPMed 0.00002; gnomAD 0.00003; gnomAD exomes 0.00003 and 0.00002.

Submissions (6):

Labcorp Genetics (formerly Invitae), Labcorp
Classification: Uncertain significance for Intellectual developmental disorder, X-linked, syndromic 14. Last evaluated: 2026-01-08. Review status: criteria provided, single submitter. Criteria: Invitae Variant Classification Sherloc (09022015). Collection method: clinical testing. Allele origin: germline.
Comment: This sequence change replaces isoleucine, which is neutral and non-polar, with threonine, which is neutral and polar, at codon 253 of the UPF3B protein (p.Ile253Thr). This variant is present in population databases (rs754982440, gnomAD 0.009%). This variant has not been reported in the literature in individuals affected with UPF3B-related conditions. ClinVar contains an entry for this variant (Variation ID: 284394). Invitae Evidence Modeling of protein sequence and biophysical properties (such as structural, functional, and spatial information, amino acid conservation, physicochemical variation, residue mobility, and thermodynamic stability) indicates that this missense variant is not expected to disrupt UPF3B protein function with a negative predictive value of 80%. In summary, the available evidence is currently insufficient to determine the role of this variant in disease. Therefore, it has been classified as a Variant of Uncertain Significance.

GeneDx
Classification: Likely benign. Last evaluated: 2022-06-06. Review status: criteria provided, single submitter. Criteria: GeneDx Variant Classification Process June 2021. Collection method: clinical testing. Allele origin: germline. Affected: yes.
Comment: See Variant Classification Assertion Criteria.

MVZ Martinsried, Medicover Genetics
Classification: Uncertain significance for Intellectual developmental disorder, X-linked, syndromic 14. Last evaluated: 2022-03-06. Review status: criteria provided, single submitter. Criteria: ACGS Guidelines, 2020. Collection method: clinical testing. Allele origin: inherited. Affected: yes.

CeGaT Center for Human Genetics Tuebingen
Classification: Uncertain significance. Last evaluated: 2017-11-01. Review status: criteria provided, single submitter. Criteria: CeGaT Center For Human Genetics Tuebingen Variant Classification Criteria Version 2. Collection method: clinical testing. Allele origin: germline. Affected: yes. Observed: 1 variant allele.

Centre for Mendelian Genomics, University Medical Centre Ljubljana
Classification: Uncertain significance for Cataract; Microcephaly; Severe global developmental delay. Last evaluated: 2017-01-01. Review status: criteria provided, single submitter. Criteria: ACMG Guidelines, 2015. Collection method: clinical testing. Allele origin: unknown. Affected: yes.

Eurofins Ntd Llc (ga)
Classification: Uncertain significance. Last evaluated: 2015-11-10. Review status: criteria provided, single submitter. Criteria: EGL Classification Definitions 2015. Collection method: clinical testing. Allele origin: germline. Observed: 1 variant allele, 1 hemizygote.